The following is an entry in ClinVar:

ClinVar aggregate classification (germline): Conflicting classifications of pathogenicity. Review status: criteria provided, conflicting classifications (1 of 4 stars). 2 submissions from 2 submitters: Uncertain significance (1); Likely benign (1). Last evaluated 2026-03-23.

Conditions:
Inborn genetic diseases. Identifiers: MedGen C0950123, MeSH D030342.
Baller-Gerold syndrome (BGS). Also called: CRANIOSYNOSTOSIS WITH RADIAL DEFECTS. Identifiers: Orphanet 1225, MedGen C0265308, MONDO:0009039, OMIM 218600.

Submissions (2):

Ambry Genetics
Classification: Likely benign for Inborn genetic diseases. Last evaluated: 2026-03-23. Review status: criteria provided, single submitter. Criteria: Ambry Variant Classification Scheme 2023. Collection method: clinical testing. Allele origin: germline.

Labcorp Genetics (formerly Invitae), Labcorp
Classification: Uncertain significance for Baller-Gerold syndrome. Last evaluated: 2021-12-24. Review status: criteria provided, single submitter. Criteria: Invitae Variant Classification Sherloc (09022015). Collection method: clinical testing. Allele origin: germline.
Comment: In summary, the available evidence is currently insufficient to determine the role of this variant in disease. Therefore, it has been classified as a Variant of Uncertain Significance. Experimental studies and prediction algorithms are not available or were not evaluated, and the functional significance of this variant is currently unknown. This sequence change replaces arginine, which is basic and polar, with histidine, which is basic and polar, at codon 22 of the RECQL4 protein (p.Arg22His). This variant is not present in population databases (gnomAD no frequency). This variant has not been reported in the literature in individuals affected with RECQL4-related conditions.

NM_004260.4(RECQL4):c.65G>A (p.Arg22His)

Genes: RECQL4 (RecQ like helicase 4; minus strand), LOC130001411 (ATAC-STARR-seq lymphoblastoid silent region 19699; plus strand). Cytogenetic location: 8q24.3.
Variant type: single nucleotide variant.
Coding change: c.65G>A on transcript NM_004260.4 (MANE Select); coding-DNA position 65, G replaced by A.
Protein change: p.Arg22His; replaces arginine 22 with histidine.
Molecular consequence: missense variant.
Genome position (GRCh38, 1-based): chr8:144,517,720, C>T on the plus strand (G>A on the coding strand, the complement: RECQL4 is on the minus strand). VCF-style: chr8-144517720-C-T. GRCh37 (hg19) VCF-style: chr8-145743104-C-T.
Other names: c.65G>A, p.Arg22His (NM_001413017.1, NM_001413018.1, NM_001413019.1 and 6 more transcripts); c.-721G>A (NM_001413021.1); c.-1072G>A (NM_001413022.1, NM_001413023.1, NM_001413037.1 and 2 more transcripts); c.-969G>A (NM_001413024.1); c.-1069G>A (NM_001413027.1); c.-797G>A (NM_001413028.1); c.-1134G>A (NM_001413030.1, NM_001413031.1, NM_001413041.1); c.-966G>A (NM_001413032.1); and 5 more; short protein forms R22H.
Identifiers: ClinVar variation 1911998 (VCV001911998.6), dbSNP rs2130745435, ClinGen allele CA372693706.